The following is an entry in ClinVar:

NM_004706.4(ARHGEF1):c.2375A>G (p.Asn792Ser)

Gene: ARHGEF1 (Rho guanine nucleotide exchange factor 1; plus strand). Cytogenetic location: 19q13.2.
Variant type: single nucleotide variant.
Coding change: c.2375A>G on transcript NM_004706.4 (MANE Select); coding-DNA position 2375, A replaced by G.
Protein change: p.Asn792Ser; replaces asparagine 792 with serine.
Molecular consequence: missense variant.
Genome position (GRCh38, 1-based): chr19:41,905,798, A>G. VCF-style: chr19-41905798-A-G. GRCh37 (hg19) VCF-style: chr19-42409950-A-G.
Other names: c.2276A>G, p.Asn759Ser (NM_198977.2); c.2420A>G, p.Asn807Ser (NM_199002.2); short protein forms N792S, N759S, N807S.
Identifiers: ClinVar variation 1379455 (VCV001379455.8), dbSNP rs199780248, ClinGen allele CA9466694.

ClinVar aggregate classification (germline): Uncertain significance (1 of 4 stars; one submission).

Allele frequency attached by ClinVar (database versions not stated): gnomAD 0.00005 and 0.00013; gnomAD exomes 0.00016; ExAC 0.00024; 1000 Genomes Project 30x 0.00078; 1000 Genomes Project 0.00100.
gnomAD v4.1: 152 of 1,614,038 alleles (0.0094%); highest among the groups gnomAD compares: South Asian, 0.11%; 2 homozygotes.

Submission:

Labcorp Genetics (formerly Invitae), Labcorp
Classification: Uncertain significance. Last evaluated: 2024-10-13. Review status: criteria provided, single submitter. Criteria: Invitae Variant Classification Sherloc (09022015). Collection method: clinical testing. Allele origin: germline.
Comment: This sequence change replaces asparagine, which is neutral and polar, with serine, which is neutral and polar, at codon 807 of the ARHGEF1 protein (p.Asn807Ser). This variant is present in population databases (rs199780248, gnomAD 0.1%), and has an allele count higher than expected for a pathogenic variant. This variant has not been reported in the literature in individuals affected with ARHGEF1-related conditions. ClinVar contains an entry for this variant (Variation ID: 1379455). An algorithm developed to predict the effect of missense changes on protein structure and function outputs the following: PolyPhen-2: "Benign". The serine amino acid residue is found in multiple mammalian species, which suggests that this missense change does not adversely affect protein function. In summary, the available evidence is currently insufficient to determine the role of this variant in disease. Therefore, it has been classified as a Variant of Uncertain Significance.